The following is an entry in ClinVar:

ClinVar aggregate classification (germline): Uncertain significance. Review status: criteria provided, multiple submitters, no conflicts (2 of 4 stars). 2 submissions from 2 submitters: Uncertain significance (2). Last evaluated 2024-07-24.

Conditions:
Spinocerebellar ataxia type 13 (SCA13). Also called: Spinocerebellar Ataxia Type13. Identifiers: Orphanet 98768, MedGen C1854488, MONDO:0011529, OMIM 605259.
Bethlem myopathy 1A. Also called: Bethlem myopathy 1; MYOPATHY, BENIGN CONGENITAL, WITH CONTRACTURES; Bethlem Muscular Dystrophy. Identifiers: Orphanet 610, MedGen CN029274, MONDO:0024530, OMIM 158810.

gnomAD v4.1: 20 of 1,614,150 alleles (0.0012%); highest among the groups gnomAD compares: Middle Eastern, 0.016%; no homozygotes.

Submissions (2):

Labcorp Genetics (formerly Invitae), Labcorp
Classification: Uncertain significance for Bethlem myopathy 1A. Last evaluated: 2024-07-24. Review status: criteria provided, single submitter. Criteria: Invitae Variant Classification Sherloc (09022015). Collection method: clinical testing. Allele origin: germline.
Comment: This sequence change replaces glycine, which is neutral and non-polar, with serine, which is neutral and polar, at codon 323 of the COL6A3 protein (p.Gly323Ser). This variant is present in population databases (rs772929334, gnomAD 0.007%). This variant has not been reported in the literature in individuals affected with COL6A3-related conditions. Advanced modeling of protein sequence and biophysical properties (such as structural, functional, and spatial information, amino acid conservation, physicochemical variation, residue mobility, and thermodynamic stability) has been performed at Invitae for this missense variant, however the output from this modeling did not meet the statistical confidence thresholds required to predict the impact of this variant on COL6A3 protein function. In summary, the available evidence is currently insufficient to determine the role of this variant in disease. Therefore, it has been classified as a Variant of Uncertain Significance.

Neuberg Centre For Genomic Medicine, NCGM
Classification: Uncertain significance for Spinocerebellar ataxia type 13. Review status: criteria provided, single submitter. Criteria: ACMG Guidelines, 2015. Collection method: clinical testing. Allele origin: germline. Inheritance: Autosomal dominant inheritance. Affected: yes.
Comment: In case of AR inheritance, no other significant variant in COL6A3 gene has been detected.

NM_004369.4(COL6A3):c.967G>A (p.Gly323Ser)

Gene: COL6A3 (collagen type VI alpha 3 chain; minus strand). Cytogenetic location: 2q37.3.
Variant type: single nucleotide variant.
Coding change: c.967G>A on transcript NM_004369.4 (MANE Select); coding-DNA position 967, G replaced by A.
Protein change: p.Gly323Ser; replaces glycine 323 with serine.
Molecular consequence: missense variant. On other transcripts: intron variant (2).
Genome position (GRCh38, 1-based): chr2:237,387,927, C>T on the plus strand (G>A on the coding strand, the complement: COL6A3 is on the minus strand). VCF-style: chr2-237387927-C-T. GRCh37 (hg19) VCF-style: chr2-238296570-C-T.
Other names: c.349G>A, p.Gly117Ser (NM_057165.5, NM_057167.4); c.92-6428G>A (NM_057166.5, NM_057164.5); short protein forms G117S, G323S.
Identifiers: ClinVar variation 3654731 (VCV003654731.2).
Genomic context (GRCh38, chr2:237,387,927, plus strand): 5'-CCACGCGGCTGCCCCCTGCCCGGGTGAAGTGGTTCTCCACCACGAAATCAAGGGCGAGGC[C>T]GATATTGGCCAACTCCCCACCAGCAAACCCGAGGGCTTTCACTGCACCCAGAACCTGGGC-3'
Protein context (NP_004360.2, residues 313-333): GFAGGELANI[Gly323Ser]LALDFVVENH